The following is an entry in ClinVar:

NM_014915.3(ANKRD26):c.4459A>G (p.Arg1487Gly)

Gene: ANKRD26 (ankyrin repeat domain 26; minus strand). Cytogenetic location: 10p12.1.
Variant type: single nucleotide variant.
Coding change: c.4459A>G on transcript NM_014915.3 (MANE Select); coding-DNA position 4459, A replaced by G.
Protein change: p.Arg1487Gly; replaces arginine 1487 with glycine.
Molecular consequence: missense variant.
Genome position (GRCh38, 1-based): chr10:27,017,549, T>C on the plus strand (A>G on the coding strand, the complement: ANKRD26 is on the minus strand). VCF-style: chr10-27017549-T-C. GRCh37 (hg19) VCF-style: chr10-27306478-T-C.
Other names: c.4456A>G, p.Arg1486Gly (NM_001256053.2); short protein forms R1487G, R1486G.
Identifiers: ClinVar variation 5023059 (VCV005023059.1).

ClinVar aggregate classification (germline): Uncertain significance (1 of 4 stars; one submission).

Conditions:
Inborn genetic diseases. Identifiers: MedGen C0950123, MeSH D030342.

Submission:

Ambry Genetics
Classification: Uncertain significance for Inborn genetic diseases. Last evaluated: 2026-07-13. Review status: criteria provided, single submitter. Criteria: Ambry Variant Classification Scheme 2023. Collection method: clinical testing. Allele origin: germline.
Comment: The p.R1487G variant (also known as c.4459A>G), located in coding exon 30 of the ANKRD26 gene, results from an A to G substitution at nucleotide position 4459. The arginine at codon 1487 is replaced by glycine, an amino acid with dissimilar properties. This amino acid position is conserved. In addition, this alteration is predicted to be tolerated by in silico analysis. Based on the available evidence, the clinical significance of this variant remains unclear.